The following is an entry in ClinVar:

ClinVar aggregate classification (germline): Uncertain significance (1 of 4 stars; one submission).

Conditions:
Autoinflammation and autoimmunity with immune dysregulation 1. Also called: AUTOINFLAMMATION AND AUTOIMMUNITY, SYSTEMIC, WITH IMMUNE DYSREGULATION 1. Identifiers: MedGen CN381017, MONDO:0700391, OMIM 616414.

Submission:

3billion
Classification: Uncertain significance for Autoinflammation and autoimmunity with immune dysregulation 1. Last evaluated: 2025-07-09. Review status: criteria provided, single submitter. Criteria: ACMG Guidelines, 2015. Collection method: clinical testing. Allele origin: germline. Affected: yes.
Comment: The variant is not observed in the gnomAD v4.1.0 dataset. Predicted Consequence/Location: Missense variant. Missense changes are a common disease-causing mechanism. In silico tool predictions suggest damaging effect of the variant on gene or gene product [REVEL: 0.71 (>=0.6, sensitivity 0.68 and specificity 0.92)]. Therefore, this variant is classified as VUS according to the recommendation of ACMG/AMP guideline.

NM_004371.4(COPA):c.740G>A (p.Gly247Asp)

Gene: COPA (coat protein complex I subunit alpha; minus strand). Cytogenetic location: 1q23.2.
Variant type: single nucleotide variant.
Coding change: c.740G>A on transcript NM_004371.4 (MANE Select); coding-DNA position 740, G replaced by A.
Protein change: p.Gly247Asp; replaces glycine 247 with aspartic acid.
Molecular consequence: missense variant.
Genome position (GRCh38, 1-based): chr1:160,314,092, C>T on the plus strand (G>A on the coding strand, the complement: COPA is on the minus strand). VCF-style: chr1-160314092-C-T. GRCh37 (hg19) VCF-style: chr1-160283882-C-T.
Other names: c.740G>A, p.Gly247Asp (NM_001098398.2); short protein forms G247D.
Identifiers: ClinVar variation 4855476 (VCV004855476.1).
Genomic context (GRCh38, chr1:160,314,092, plus strand): 5'-TTGCTGAGGATCAACTCTTGGCGAGGGTGGAAGACGGCACAAGATACATTGTTGTAATGG[C>T]CCCGGCAGGTATCAACCTCCCATGCCTTTGATTCTGAAGGACAAAAAGAATTAGGTCATC-3'
Protein context (NP_004362.2, residues 237-257): SKAWEVDTCR[Gly247Asp]HYNNVSCAVF